The following is an entry in ClinVar:

ClinVar aggregate classification (germline): Pathogenic (1 of 4 stars; one submission).

Conditions:
Hereditary cancer-predisposing syndrome. Also called: Neoplastic Syndromes, Hereditary; Tumor predisposition; Hereditary Cancer Syndrome; Hereditary neoplastic syndrome. Identifiers: Orphanet 140162, MedGen C0027672, MeSH D009386, MONDO:0015356.

Submission:

Ambry Genetics
Classification: Pathogenic for Hereditary cancer-predisposing syndrome. Last evaluated: 2026-05-11. Review status: criteria provided, single submitter. Criteria: Ambry Variant Classification Scheme 2023. Collection method: clinical testing. Allele origin: germline.
Comment: The c.674_677dupAAAA (p.N226Kfs*24) alteration, located in exon 6 (coding exon 6) of the PMS2 gene, consists of a duplication of AAAA at position 674, causing a translational frameshift with a predicted alternate stop codon after 24 amino acids. This variant is expected to result in loss of function by premature protein truncation or nonsense-mediated mRNA decay. This variant was not reported in population-based cohorts in the Genome Aggregation Database (gnomAD). Based on the available evidence, this alteration is classified as pathogenic.

NM_000535.7(PMS2):c.674_677dup (p.Asn226fs)

Gene: PMS2 (PMS1 homolog 2, mismatch repair system component; minus strand). Cytogenetic location: 7p22.1.
Variant type: Duplication.
Coding change: c.674_677dup on transcript NM_000535.7 (MANE Select); coding-DNA positions 674 to 677, 4 bases duplicated (AAAA; older notation c.674_677dupAAAA).
Protein change: p.Asn226fs; shifts the reading frame from asparagine 226.
Molecular consequence: frameshift variant. On other transcripts: intron variant (9), 5 prime UTR variant (2), non-coding transcript variant (1).
Genome position (GRCh38, 1-based): chr7:5,999,136-5,999,139, TTTT duplicated on the plus strand (AAAA on the coding strand, the reverse complement: PMS2 is on the minus strand). VCF-style (leftmost placement, unchanged base first): chr7-5999135-A-ATTTT. GRCh37 (hg19) VCF-style: chr7-6038766-A-ATTTT.
Other names: c.133-1716_133-1713dup (NM_001406909.1, NM_001322013.2); c.537+3314_537+3317dup (NM_001406886.1); c.538-1716_538-1713dup (NM_001406884.1, NM_001406874.1); c.597+77_597+80dup (NM_001406869.1); c.269_272dup, p.Asn91fs (NM_001406889.1, NM_001406890.1, NM_001406891.1 and 19 more transcripts); c.365_368dup, p.Asn123fs (NM_001406879.1, NM_001406880.1, NM_001406881.1 and 6 more transcripts); c.356_359dup, p.Asn120fs (NM_001406883.1, NM_001322007.2, NM_001322008.2 and 4 more transcripts); c.338_341dup, p.Asn114fs (NM_001406885.1); and 7 more; short protein forms N114fs, N120fs, N123fs, N226fs, N234fs, N288fs, N91fs.
Identifiers: ClinVar variation 4862135 (VCV004862135.1).